The following is an entry in ClinVar:

NM_152383.5(DIS3L2):c.1739+6C>T

Gene: DIS3L2 (DIS3 like 3'-5' exoribonuclease 2; plus strand). Cytogenetic location: 2q37.1.
Variant type: single nucleotide variant.
Coding change: c.1739+6C>T on transcript NM_152383.5 (MANE Select); 6 bases into the intron after coding-DNA position 1739, C replaced by T.
Molecular consequence: intron variant.
Genome position (GRCh38, 1-based): chr2:232,300,125, C>T. VCF-style: chr2-232300125-C-T. GRCh37 (hg19) VCF-style: chr2-233164835-C-T.
Other names: c.1581+36763C>T (NM_001257281.2).
Identifiers: ClinVar variation 1061172 (VCV001061172.7), dbSNP rs2106321270, ClinGen allele CA2499215788.
Genomic context (GRCh38, chr2:232,300,125, plus strand): 5'-ACGAGACCGGATTGCCTCAAGGATGTCATATCTATGAGTACCGCGAGAGCAACAAGTAAG[C>T]CACTCAGTGGGAAAGAGTGTCACTTCACATGTGTGCAGCAGTGGTGCCTGTGGGCTTTCT-3'

ClinVar aggregate classification (germline): Uncertain significance (1 of 4 stars; one submission).

Conditions:
Perlman syndrome (PRLMNS). Identifiers: Orphanet 2849, MedGen C0796113, MONDO:0009965, OMIM 267000.

Submission:

Labcorp Genetics (formerly Invitae), Labcorp
Classification: Uncertain significance for Perlman syndrome. Last evaluated: 2023-08-07. Review status: criteria provided, single submitter. Criteria: Invitae Variant Classification Sherloc (09022015). Collection method: clinical testing. Allele origin: germline.
Comment: ClinVar contains an entry for this variant (Variation ID: 1061172). This sequence change falls in intron 14 of the DIS3L2 gene. It does not directly change the encoded amino acid sequence of the DIS3L2 protein. It affects a nucleotide within the consensus splice site. This variant is not present in population databases (gnomAD no frequency). This variant has not been reported in the literature in individuals affected with DIS3L2-related conditions. Variants that disrupt the consensus splice site are a relatively common cause of aberrant splicing (PMID: 17576681, 9536098). Algorithms developed to predict the effect of sequence changes on RNA splicing suggest that this variant is not likely to affect RNA splicing. In summary, the available evidence is currently insufficient to determine the role of this variant in disease. Therefore, it has been classified as a Variant of Uncertain Significance.

Literature cited by the submitters: PubMed 17576681; PubMed 9536098.